The following is an entry in ClinVar:

ClinVar aggregate classification (germline): Likely pathogenic (1 of 4 stars; one submission).

Submissions (2):

Labcorp Genetics (formerly Invitae), Labcorp
Classification: Likely pathogenic. Last evaluated: 2025-07-16. Review status: criteria provided, single submitter. Criteria: Invitae Variant Classification Sherloc (09022015). Collection method: clinical testing. Allele origin: germline.
Comment: This sequence change affects an acceptor splice site in intron 2 of the TALDO1 gene. It is expected to disrupt RNA splicing. Variants that disrupt the donor or acceptor splice site typically lead to a loss of protein function (PMID: 16199547), and loss-of-function variants in TALDO1 are known to be pathogenic (PMID: 23315216, 26238251). This variant is not present in population databases (gnomAD no frequency). This variant has not been reported in the literature in individuals affected with TALDO1-related conditions. Algorithms developed to predict the effect of sequence changes on RNA splicing suggest that this variant may disrupt the consensus splice site. In summary, the currently available evidence indicates that the variant is pathogenic, but additional data are needed to prove that conclusively. Therefore, this variant has been classified as Likely Pathogenic.

Dr. Peter K. Rogan Lab, Western University
No classification provided (evidence only). Condition: Thyroid cancer, nonmedullary, 1. Review status: no classification provided. Collection method: in vitro. Allele origin: not applicable. Functional consequence: retained intron. Not counted in ClinVar's aggregate classification.

Literature cited by the submitters: PubMed 16199547 (cited by Labcorp Genetics (formerly Invitae), Labcorp); PubMed 23315216 (cited by Labcorp Genetics (formerly Invitae), Labcorp); PubMed 26238251 (cited by Labcorp Genetics (formerly Invitae), Labcorp).

NM_006755.2(TALDO1):c.222-2A>G

Gene: TALDO1 (transaldolase 1; plus strand). Cytogenetic location: 11p15.5.
Variant type: single nucleotide variant.
Coding change: c.222-2A>G on transcript NM_006755.2 (MANE Select); the canonical splice acceptor site of the intron before coding-DNA position 222, A replaced by G.
Molecular consequence: splice acceptor variant.
Genome position (GRCh38, 1-based): chr11:758,948, A>G. VCF-style: chr11-758948-A-G. GRCh37 (hg19) VCF-style: chr11-758948-A-G.
Other names: NC_000011.9:g.758948A>G.
Identifiers: ClinVar variation 4376951 (VCV004376951.2).